The following is an entry in ClinVar:

NM_004004.6(GJB2):c.187G>A (p.Val63Met)

Gene: GJB2 (gap junction protein beta 2; minus strand). Cytogenetic location: 13q12.11.
Variant type: single nucleotide variant.
Coding change: c.187G>A on transcript NM_004004.6 (MANE Select); coding-DNA position 187, G replaced by A.
Protein change: p.Val63Met; replaces valine 63 with methionine.
Molecular consequence: missense variant.
Genome position (GRCh38, 1-based): chr13:20,189,395, C>T on the plus strand (G>A on the coding strand, the complement: GJB2 is on the minus strand). VCF-style: chr13-20189395-C-T. GRCh37 (hg19) VCF-style: chr13-20763534-C-T.
Other names: short protein forms V63M.
Identifiers: ClinVar variation 94391 (VCV000094391.11), dbSNP rs370696868, ClinGen allele CA222244.

ClinVar aggregate classification (germline): Likely pathogenic. Review status: criteria provided, multiple submitters, no conflicts (2 of 4 stars). 3 submissions from 3 submitters: Likely pathogenic (2). 1 of the submissions does not count toward it. Last evaluated 2025-11-09.

Conditions:
Autosomal recessive nonsyndromic hearing loss 1A (DFNB1A). Also called: GJB6-Related DFNB 1 Nonsyndromic Hearing Loss and Deafness; Deafness, autosomal recessive 1A; Connexin 26 deafness; Deafness nonsyndromic, Connexin 26 linked; GJB2-Related Autosomal Recessive Nonsyndromic Hearing Loss; Nonsyndromic Hearing Loss and Deafness, DFNB1. Identifiers: Orphanet 90636, MedGen C2673759, MONDO:0009076, OMIM 220290.

Allele frequency attached by ClinVar (database versions not stated): TOPMed 0.00001; ESP Exome Variant Server 0.00008.
gnomAD v4.1: 16 of 1,613,260 alleles (0.00099%); highest among the groups gnomAD compares: Admixed American, 0.0033%; no homozygotes.

Submissions (3):

Labcorp Genetics (formerly Invitae), Labcorp
Classification: Likely pathogenic. Last evaluated: 2025-11-09. Review status: criteria provided, single submitter. Criteria: Invitae Variant Classification Sherloc (09022015). Collection method: clinical testing. Allele origin: germline.
Comment: This sequence change replaces valine, which is neutral and non-polar, with methionine, which is neutral and non-polar, at codon 63 of the GJB2 protein (p.Val63Met). This variant is present in population databases (rs370696868, gnomAD 0.004%). This missense change has been observed in individual(s) with autosomal recessive nonsyndromic sensorineural deafness (PMID: 14985372, 17666888, 21366436, 26252218). ClinVar contains an entry for this variant (Variation ID: 94391). Invitae Evidence Modeling of protein sequence and biophysical properties (such as structural, functional, and spatial information, amino acid conservation, physicochemical variation, residue mobility, and thermodynamic stability) indicates that this missense variant is expected to disrupt GJB2 protein function with a positive predictive value of 95%. This variant disrupts the p.Val63 amino acid residue in GJB2. Other variant(s) that disrupt this residue have been determined to be pathogenic (PMID: 17041943; internal data). This suggests that this residue is clinically significant, and that variants that disrupt this residue are likely to be disease-causing. In summary, the currently available evidence indicates that the variant is pathogenic, but additional data are needed to prove that conclusively. Therefore, this variant has been classified as Likely Pathogenic.

Women's Health and Genetics/Laboratory Corporation of America, LabCorp
Classification: Likely pathogenic for Autosomal recessive nonsyndromic hearing loss 1A. Last evaluated: 2025-06-10. Review status: criteria provided, single submitter. Criteria: LabCorp Variant Classification Summary - May 2015. Collection method: clinical testing. Allele origin: germline.
Comment: Variant summary: GJB2 c.187G>A (p.Val63Met) results in a conservative amino acid change in the encoded protein sequence. Algorithms developed to predict the effect of missense changes on protein structure and function are either unavailable or do not agree on the potential impact of this missense change. The variant allele was found at a frequency of 1.6e-05 in 251252 control chromosomes. c.187G>A has been observed in compound heterozygous individuals affected with Autosomal Recessive Non-Syndromic Hearing Loss (e.g. Cryns_2004, Snoeckx_2005). These data indicate that the variant may be associated with disease. A different variant affecting the same codon has been classified as likely pathogenic/pathogenic by our lab (c.188T>C, p.V63A), supporting the critical relevance of codon 63 to GJB2 protein function. To our knowledge, no experimental evidence demonstrating an impact on protein function has been reported. The following publications have been ascertained in the context of this evaluation (PMID: 14985372, 16380907). ClinVar contains an entry for this variant (Variation ID: 94391). Based on the evidence outlined above, the variant was classified as likely pathogenic.

Eurofins Ntd Llc (ga)
Classification: Uncertain significance. Last evaluated: 2013-09-05. Review status: flagged submission. Criteria: EGL Classification Definitions 2015. Collection method: clinical testing. Allele origin: germline. Observed: 1 variant allele, 1 heterozygote. Not counted in ClinVar's aggregate classification.
ClinVar note: Reason: Older claim that does not account for recent evidence

Literature cited by the submitters: PubMed 14985372 (cited by 3 submitters); PubMed 17666888 (cited by Labcorp Genetics (formerly Invitae), Labcorp); PubMed 21366436 (cited by 3 submitters); PubMed 26252218 (cited by Labcorp Genetics (formerly Invitae), Labcorp); PubMed 17041943 (cited by Labcorp Genetics (formerly Invitae), Labcorp); PubMed 16380907 (cited by Women's Health and Genetics/Laboratory Corporation of America, LabCorp and Eurofins Ntd Llc (ga)); PubMed 25087612 (cited by Women's Health and Genetics/Laboratory Corporation of America, LabCorp).